The following is an entry in ClinVar:

ClinVar aggregate classification (germline): Uncertain significance (1 of 4 stars; one submission).

Conditions:
Deficiency of alpha-mannosidase (MANSA). Also called: Mannosidosis, alpha-, types I and II; LYSOSOMAL ALPHA-D-MANNOSIDASE DEFICIENCY; Alpha-Mannosidosis. Identifiers: Orphanet 61, MedGen C0024748, MONDO:0009561, OMIM 248500.

Allele frequency attached by ClinVar (database versions not stated): gnomAD 0.00001.
gnomAD v4.1: 3 of 1,613,956 alleles (0.00019%); highest among the groups gnomAD compares: Non-Finnish European, 0.000085%; no homozygotes.

Submission:

Labcorp Genetics (formerly Invitae), Labcorp
Classification: Uncertain significance for Deficiency of alpha-mannosidase. Last evaluated: 2022-06-20. Review status: criteria provided, single submitter. Criteria: Invitae Variant Classification Sherloc (09022015). Collection method: clinical testing. Allele origin: germline.
Comment: This sequence change replaces glutamic acid, which is acidic and polar, with glutamine, which is neutral and polar, at codon 402 of the MAN2B1 protein (p.Glu402Gln). This variant is not present in population databases (gnomAD no frequency). This variant has not been reported in the literature in individuals affected with MAN2B1-related conditions. Algorithms developed to predict the effect of missense changes on protein structure and function are either unavailable or do not agree on the potential impact of this missense change (SIFT: "Tolerated"; PolyPhen-2: "Possibly Damaging"; Align-GVGD: "Class C0"). In summary, the available evidence is currently insufficient to determine the role of this variant in disease. Therefore, it has been classified as a Variant of Uncertain Significance.

NM_000528.4(MAN2B1):c.1204G>C (p.Glu402Gln)

Gene: MAN2B1 (mannosidase alpha class 2B member 1; minus strand). Cytogenetic location: 19p13.13.
Variant type: single nucleotide variant.
Coding change: c.1204G>C on transcript NM_000528.4 (MANE Select); coding-DNA position 1204, G replaced by C.
Protein change: p.Glu402Gln; replaces glutamic acid 402 with glutamine.
Molecular consequence: missense variant.
Genome position (GRCh38, 1-based): chr19:12,658,250, C>G on the plus strand (G>C on the coding strand, the complement: MAN2B1 is on the minus strand). VCF-style: chr19-12658250-C-G. GRCh37 (hg19) VCF-style: chr19-12769064-C-G.
Other names: c.1201G>C, p.Glu401Gln (NM_001173498.2); short protein forms E401Q, E402Q.
Identifiers: ClinVar variation 2153591 (VCV002153591.1), dbSNP rs370760999, ClinGen allele CA404247894.